The following is an entry in ClinVar:

ClinVar aggregate classification (germline): Conflicting classifications of pathogenicity. Review status: criteria provided, conflicting classifications (1 of 4 stars). 3 submissions from 3 submitters: Uncertain significance (1); Benign (1); Likely benign (1). Last evaluated 2025-10-17.

Conditions:
Vitreoretinopathy. Also called: Vitreoretinal degeneration. Identifiers: MedGen C0344290, MONDO:0020248, HP:0007773.

Allele frequency attached by ClinVar (database versions not stated): gnomAD 0.00006 and 0.00007; ExAC 0.00007; gnomAD exomes 0.00007; TOPMed 0.00011; 1000 Genomes Project 30x 0.00016; 1000 Genomes Project 0.00020.
gnomAD v4.1: 173 of 1,613,942 alleles (0.011%); highest among the groups gnomAD compares: Non-Finnish European, 0.013%; no homozygotes.

Submissions (3):

Labcorp Genetics (formerly Invitae), Labcorp
Classification: Uncertain significance. Last evaluated: 2025-10-17. Review status: criteria provided, single submitter. Criteria: Invitae Variant Classification Sherloc (09022015). Collection method: clinical testing. Allele origin: germline.
Comment: This sequence change replaces asparagine, which is neutral and polar, with lysine, which is basic and polar, at codon 2628 of the VCAN protein (p.Asn2628Lys). This variant is present in population databases (rs201327923, gnomAD 0.01%). This variant has not been reported in the literature in individuals affected with VCAN-related conditions. ClinVar contains an entry for this variant (Variation ID: 354449). An algorithm developed to predict the effect of missense changes on protein structure and function (PolyPhen-2) suggests that this variant is likely to be tolerated. In summary, the available evidence is currently insufficient to determine the role of this variant in disease. Therefore, it has been classified as a Variant of Uncertain Significance.

Blueprint Genetics
Classification: Likely benign. Last evaluated: 2024-10-25. Review status: criteria provided, single submitter. Criteria: ACMG Guidelines, 2015. Collection method: clinical testing. Allele origin: germline.

Illumina Laboratory Services, Illumina
Classification: Benign for Vitreoretinopathy. Last evaluated: 2018-01-12. Review status: criteria provided, single submitter. Criteria: ICSL Variant Classification Criteria 13 December 2019. Collection method: clinical testing. Allele origin: germline.
Comment: This variant was observed in the ICSL laboratory as part of a predisposition screen in an ostensibly healthy population. It had not been previously curated by ICSL or reported in the Human Gene Mutation Database (HGMD: prior to June 1st, 2018), and was therefore a candidate for classification through an automated scoring system. Utilizing variant allele frequency, disease prevalence and penetrance estimates, and inheritance mode, an automated score was calculated to assess if this variant is too frequent to cause the disease. Based on the score and internal cut-off values, a variant classified as benign is not then subjected to further curation. The score for this variant resulted in a classification of benign for this disease.

NM_004385.5(VCAN):c.7884C>A (p.Asn2628Lys)

Genes: VCAN (versican; plus strand), VCAN-AS1 (VCAN antisense RNA 1; minus strand). Cytogenetic location: 5q14.3.
Variant type: single nucleotide variant.
Coding change: c.7884C>A on transcript NM_004385.5 (MANE Select); coding-DNA position 7884, C replaced by A.
Protein change: p.Asn2628Lys; replaces asparagine 2628 with lysine.
Molecular consequence: missense variant. On other transcripts: intron variant (2).
Genome position (GRCh38, 1-based): chr5:83,540,887, C>A. VCF-style: chr5-83540887-C-A. GRCh37 (hg19) VCF-style: chr5-82836706-C-A.
Other names: c.4923C>A, p.Asn1641Lys (NM_001164097.2); c.4004-4650C>A (NM_001164098.2); c.1043-4650C>A (NM_001126336.3); short protein forms N2628K, N1641K.
Identifiers: ClinVar variation 354449 (VCV000354449.14), dbSNP rs201327923, ClinGen allele CA3333706.